The following is an entry in ClinVar:

ClinVar aggregate classification (germline): Uncertain significance (1 of 4 stars; one submission).

Allele frequency attached by ClinVar (database versions not stated): gnomAD 0.00001; ExAC 0.00002.

Submission:

Labcorp Genetics (formerly Invitae), Labcorp
Classification: Uncertain significance. Last evaluated: 2022-11-28. Review status: criteria provided, single submitter. Criteria: Invitae Variant Classification Sherloc (09022015). Collection method: clinical testing. Allele origin: germline.
Comment: This sequence change replaces aspartic acid, which is acidic and polar, with valine, which is neutral and non-polar, at codon 204 of the TFRC protein (p.Asp204Val). This variant is present in population databases (rs762317441, gnomAD 0.006%). This variant has not been reported in the literature in individuals affected with TFRC-related conditions. Advanced modeling of protein sequence and biophysical properties (such as structural, functional, and spatial information, amino acid conservation, physicochemical variation, residue mobility, and thermodynamic stability) performed at Invitae indicates that this missense variant is not expected to disrupt TFRC protein function. In summary, the available evidence is currently insufficient to determine the role of this variant in disease. Therefore, it has been classified as a Variant of Uncertain Significance.

NM_001128148.3(TFRC):c.611A>T (p.Asp204Val)

Gene: TFRC (transferrin receptor; minus strand). Cytogenetic location: 3q29.
Variant type: single nucleotide variant.
Coding change: c.611A>T on transcript NM_001128148.3 (MANE Select); coding-DNA position 611, A replaced by T.
Protein change: p.Asp204Val; replaces aspartic acid 204 with valine.
Molecular consequence: missense variant. On other transcripts: 5 prime UTR variant (1).
Genome position (GRCh38, 1-based): chr3:196,071,472, T>A on the plus strand (A>T on the coding strand, the complement: TFRC is on the minus strand). VCF-style: chr3-196071472-T-A. GRCh37 (hg19) VCF-style: chr3-195798343-T-A.
Other names: c.368A>T, p.Asp123Val (NM_001313965.2); c.-236A>T (NM_001313966.2); c.611A>T, p.Asp204Val (NM_003234.4); short protein forms D123V, D204V.
Identifiers: ClinVar variation 2002663 (VCV002002663.4), dbSNP rs762317441, ClinGen allele CA2778245.